The following is an entry in ClinVar:

ClinVar aggregate classification (germline): Likely benign (0 of 4 stars; one submission).

Conditions:
CACNA2D3-related disorder. Also called: CACNA2D3-related condition.

Allele frequency attached by ClinVar (database versions not stated): ESP Exome Variant Server 0.00008.
gnomAD v4.1: 94 of 1,613,852 alleles (0.0058%); highest among the groups gnomAD compares: Middle Eastern, 0.016%; 1 homozygote.

Submission:

PreventionGenetics, part of Exact Sciences
Classification: Likely benign for CACNA2D3-related condition. Last evaluated: 2019-08-27. Review status: no assertion criteria provided. Collection method: clinical testing. Allele origin: germline.
Comment: This variant is classified as likely benign based on ACMG/AMP sequence variant interpretation guidelines (Richards et al. 2015 PMID: 25741868, with internal and published modifications).

NM_018398.3(CACNA2D3):c.2091C>T (p.Asp697=)

Genes: CACNA2D3 (calcium voltage-gated channel auxiliary subunit alpha2delta 3; plus strand), CACNA2D3-AS1 (CACNA2D3 antisense RNA 1; minus strand). Cytogenetic location: 3p14.3.
Variant type: single nucleotide variant.
Coding change: c.2091C>T on transcript NM_018398.3 (MANE Select); coding-DNA position 2091, C replaced by T.
Protein change: p.Asp697=; no amino-acid change (aspartic acid 697 retained).
Molecular consequence: synonymous variant.
Genome position (GRCh38, 1-based): chr3:54,887,993, C>T. VCF-style: chr3-54887993-C-T. GRCh37 (hg19) VCF-style: chr3-54922020-C-T.
Identifiers: ClinVar variation 3053454 (VCV003053454.2), dbSNP rs377667754, ClinGen allele CA2458060.
Genomic context (GRCh38, chr3:54,887,993, plus strand): 5'-ATCCTCTTGTCTGTCCCTCCCAACAGGTGATAAAGAATTGATCCAAGAAGTCCTTTTTGA[C>T]GCGGTGGTGAGTGCCCCCATTGAAGCGTATTGGACCAGCCTGGCCCTCAACAAATCTGAG-3'
Protein context (NP_060868.2, residues 687-707): DKELIQEVLF[Asp697=]AVVSAPIEAY